The following is an entry in ClinVar:

NM_015141.4(GPD1L):c.372A>G (p.Ile124Met)

Gene: GPD1L (glycerol-3-phosphate dehydrogenase 1 like; plus strand). Cytogenetic location: 3p22.3.
Variant type: single nucleotide variant.
Coding change: c.372A>G on transcript NM_015141.4 (MANE Select); coding-DNA position 372, A replaced by G.
Protein change: p.Ile124Met; replaces isoleucine 124 with methionine.
Molecular consequence: missense variant.
Genome position (GRCh38, 1-based): chr3:32,140,233, A>G. VCF-style: chr3-32140233-A-G. GRCh37 (hg19) VCF-style: chr3-32181725-A-G.
Other names: short protein forms I124M.
Identifiers: ClinVar variation 344725 (VCV000344725.9), dbSNP rs182826539, ClinGen allele CA2296631.
Genomic context (GRCh38, chr3:32,140,233, plus strand): 5'-CATGCCTCTTTGATTTGGCGGTTTGTTCTCTCCTAACTTCTTGGCATCCTTGTAGGGCAT[A>G]GACGAGGGCCCCGAGGGGCTGAAGCTCATTTCTGACATCATCCGTGAGAAGATGGGTATT-3'
Protein context (NP_055956.1, residues 114-134): KALGITLIKG[Ile124Met]DEGPEGLKLI

ClinVar aggregate classification (germline): Conflicting classifications of pathogenicity. Review status: criteria provided, conflicting classifications (1 of 4 stars). 4 submissions from 4 submitters: Uncertain significance (3); Benign (1). Last evaluated 2025-05-01.

Conditions:
Cardiovascular phenotype. Identifiers: MedGen CN230736.
Brugada syndrome. Also called: Sudden unexpected nocturnal death syndrome; Sudden Unexplained Death Syndrome; Sudden Unexplained Nocturnal Death Syndrome (SUNDS); Sudden unexplained nocturnal death syndrome. Identifiers: Orphanet 130, MedGen C1142166, MONDO:0015263.

Allele frequency attached by ClinVar (database versions not stated): TOPMed 0.00002; 1000 Genomes Project 0.00040; 1000 Genomes Project 30x 0.00047.
gnomAD v4.1: 55 of 1,614,108 alleles (0.0034%); highest among the groups gnomAD compares: Middle Eastern, 0.05%; no homozygotes.

Submissions (4):

Ambry Genetics
Classification: Benign for Cardiovascular phenotype. Last evaluated: 2025-05-01. Review status: criteria provided, single submitter. Criteria: Ambry Variant Classification Scheme 2023. Collection method: clinical testing. Allele origin: germline.

GeneDx
Classification: Uncertain significance. Last evaluated: 2025-02-04. Review status: criteria provided, single submitter. Criteria: GeneDx Variant Classification Process June 2021. Collection method: clinical testing. Allele origin: germline. Affected: yes.
Comment: In silico analysis indicates that this missense variant does not alter protein structure/function; Reported as a variant of uncertain significance in a patient with heart disease and in one case of unspecified fetal anomaly and spontaneous abortion (PMID: 30847666, 33100332); This variant is associated with the following publications: (PMID: 30847666, 33100332)

Labcorp Genetics (formerly Invitae), Labcorp
Classification: Uncertain significance for Brugada syndrome. Last evaluated: 2024-01-18. Review status: criteria provided, single submitter. Criteria: Invitae Variant Classification Sherloc (09022015). Collection method: clinical testing. Allele origin: germline.
Comment: This sequence change replaces isoleucine, which is neutral and non-polar, with methionine, which is neutral and non-polar, at codon 124 of the GPD1L protein (p.Ile124Met). This variant is present in population databases (rs182826539, gnomAD 0.03%). This missense change has been observed in individual(s) with arrhythmia (PMID: 30847666). ClinVar contains an entry for this variant (Variation ID: 344725). Advanced modeling of protein sequence and biophysical properties (such as structural, functional, and spatial information, amino acid conservation, physicochemical variation, residue mobility, and thermodynamic stability) performed at Invitae indicates that this missense variant is not expected to disrupt GPD1L protein function with a negative predictive value of 80%. In summary, the available evidence is currently insufficient to determine the role of this variant in disease. Therefore, it has been classified as a Variant of Uncertain Significance.

Breakthrough Genomics
Classification: Uncertain significance. Review status: criteria provided, single submitter. Criteria: ACMG Guidelines, 2015. Collection method: not provided. Allele origin: germline. Inheritance: Unknown mechanism. Affected: yes.

Literature cited by the submitters: PubMed 30847666 (cited by Labcorp Genetics (formerly Invitae), Labcorp).